The following is an entry in ClinVar:

NM_001004434.3(SLC30A2):c.68T>C (p.Leu23Pro)

Gene: SLC30A2 (solute carrier family 30 member 2; minus strand). Cytogenetic location: 1p36.11.
Variant type: single nucleotide variant.
Coding change: c.68T>C on transcript NM_001004434.3 (MANE Select); coding-DNA position 68, T replaced by C.
Protein change: p.Leu23Pro; replaces leucine 23 with proline.
Molecular consequence: missense variant.
Genome position (GRCh38, 1-based): chr1:26,045,200, A>G on the plus strand (T>C on the coding strand, the complement: SLC30A2 is on the minus strand). VCF-style: chr1-26045200-A-G. GRCh37 (hg19) VCF-style: chr1-26371691-A-G.
Other names: c.68T>C, p.Leu23Pro (NM_032513.5); short protein forms L23P.
Identifiers: ClinVar variation 3041987 (VCV003041987.2), dbSNP rs35235055, ClinGen allele CA699375.

ClinVar aggregate classification (germline): Benign (0 of 4 stars; one submission).

Conditions:
SLC30A2-related disorder. Also called: SLC30A2-related condition.

Allele frequency attached by ClinVar (database versions not stated): gnomAD exomes 0.00039; ExAC 0.00114; gnomAD 0.00376; ESP Exome Variant Server 0.00384; 1000 Genomes Project 0.00419; TOPMed 0.00424; 1000 Genomes Project 30x 0.00437.

Submission:

PreventionGenetics, part of Exact Sciences
Classification: Benign for SLC30A2-related condition. Last evaluated: 2020-07-14. Review status: no assertion criteria provided. Collection method: clinical testing. Allele origin: germline.
Comment: This variant is classified as benign based on ACMG/AMP sequence variant interpretation guidelines (Richards et al. 2015 PMID: 25741868, with internal and published modifications).